The following is an entry in ClinVar:

NM_001122769.3(LCA5):c.1375G>T (p.Glu459Ter)

Gene: LCA5 (lebercilin LCA5; minus strand). Cytogenetic location: 6q14.1.
Variant type: single nucleotide variant.
Coding change: c.1375G>T on transcript NM_001122769.3 (MANE Select); coding-DNA position 1375, G replaced by T.
Protein change: p.Glu459Ter; replaces glutamic acid 459 with a stop codon.
Molecular consequence: nonsense.
Genome position (GRCh38, 1-based): chr6:79,487,723, C>A on the plus strand (G>T on the coding strand, the complement: LCA5 is on the minus strand). VCF-style: chr6-79487723-C-A. GRCh37 (hg19) VCF-style: chr6-80197440-C-A.
Other names: c.1375G>T, p.Glu459Ter (NM_181714.4); short protein forms E459*.
Identifiers: ClinVar variation 1456070 (VCV001456070.8), dbSNP rs1769710277, ClinGen allele CA364641035.
Genomic context (GRCh38, chr6:79,487,723, plus strand): 5'-GGAGTTCTCTGTCAATTTCATTCAGTTTAGCAAGTAGCATTTCTCTCTTCAGTCTTTCTT[C>A]TTCCTCTCCTTGCAATTTATCCATATTCTGAATTGGATACATTCCTAGTTGGTACCTTCC-3'

ClinVar aggregate classification (germline): Pathogenic (1 of 4 stars; one submission).

Submission:

Labcorp Genetics (formerly Invitae), Labcorp
Classification: Pathogenic. Last evaluated: 2020-11-11. Review status: criteria provided, single submitter. Criteria: Invitae Variant Classification Sherloc (09022015). Collection method: clinical testing. Allele origin: germline.
Comment: This sequence change creates a premature translational stop signal (p.Glu459*) in the LCA5 gene. While this is not anticipated to result in nonsense mediated decay, it is expected to disrupt the last 239 amino acid(s) of the LCA5 protein. This variant is not present in population databases (ExAC no frequency). This variant has not been reported in the literature in individuals with LCA5-related conditions. This variant disrupts the C-terminus of the LCA5 protein. Other variant(s) that disrupt this region (p.Lys586*) have been determined to be pathogenic (PMID: 23946133, 27624628). This suggests that variants that disrupt this region of the protein are likely to be causative of disease. For these reasons, this variant has been classified as Pathogenic.

Literature cited by the submitters: PubMed 23946133; PubMed 27624628.